The following is an entry in ClinVar:

ClinVar aggregate classification (germline): Uncertain significance (1 of 4 stars; one submission).

gnomAD v4.1: 3 of 1,612,202 alleles (0.00019%); highest among the groups gnomAD compares: Admixed American, 0.0017%; no homozygotes.

Submission:

Labcorp Genetics (formerly Invitae), Labcorp
Classification: Uncertain significance. Last evaluated: 2021-07-13. Review status: criteria provided, single submitter. Criteria: Invitae Variant Classification Sherloc (09022015). Collection method: clinical testing. Allele origin: germline.
Comment: In summary, the available evidence is currently insufficient to determine the role of this variant in disease. Therefore, it has been classified as a Variant of Uncertain Significance. Algorithms developed to predict the effect of missense changes on protein structure and function (SIFT, PolyPhen-2, Align-GVGD) all suggest that this variant is likely to be disruptive. This variant has not been reported in the literature in individuals affected with TNNI3K-related conditions. This variant is not present in population databases (ExAC no frequency). This sequence change replaces lysine with glutamic acid at codon 405 of the TNNI3K protein (p.Lys405Glu). The lysine residue is highly conserved and there is a small physicochemical difference between lysine and glutamic acid.

NM_015978.3(TNNI3K):c.1213A>G (p.Lys405Glu)

Genes: FPGT-TNNI3K (FPGT-TNNI3K readthrough; plus strand), TNNI3K (TNNI3 interacting kinase; plus strand). Cytogenetic location: 1p31.1.
Variant type: single nucleotide variant.
Coding change: c.1213A>G on transcript NM_015978.3 (MANE Select); coding-DNA position 1213, A replaced by G.
Protein change: p.Lys405Glu; replaces lysine 405 with glutamic acid.
Molecular consequence: missense variant.
Genome position (GRCh38, 1-based): chr1:74,367,291, A>G. VCF-style: chr1-74367291-A-G. GRCh37 (hg19) VCF-style: chr1-74832975-A-G.
Other names: c.1516A>G, p.Lys506Glu (NM_001112808.3, NM_001199327.2); short protein forms K506E, K405E.
Identifiers: ClinVar variation 1493430 (VCV001493430.8), dbSNP rs2100514829, ClinGen allele CA340785448.